The following is an entry in ClinVar:

NM_001029883.3(PCARE):c.1360A>C (p.Thr454Pro)

Gene: PCARE (photoreceptor cilium actin regulator; minus strand). Cytogenetic location: 2p23.2.
Variant type: single nucleotide variant.
Coding change: c.1360A>C on transcript NM_001029883.3 (MANE Select); coding-DNA position 1360, A replaced by C.
Protein change: p.Thr454Pro; replaces threonine 454 with proline.
Molecular consequence: missense variant.
Genome position (GRCh38, 1-based): chr2:29,072,902, T>G on the plus strand (A>C on the coding strand, the complement: PCARE is on the minus strand). VCF-style: chr2-29072902-T-G. GRCh37 (hg19) VCF-style: chr2-29295768-T-G.
Other names: short protein forms T454P.
Identifiers: ClinVar variation 1014290 (VCV001014290.8), dbSNP rs1572828853, ClinGen allele CA346480354.

ClinVar aggregate classification (germline): Uncertain significance (1 of 4 stars; one submission).

Submission:

Labcorp Genetics (formerly Invitae), Labcorp
Classification: Uncertain significance. Last evaluated: 2024-10-23. Review status: criteria provided, single submitter. Criteria: Invitae Variant Classification Sherloc (09022015). Collection method: clinical testing. Allele origin: germline.
Comment: This sequence change replaces threonine, which is neutral and polar, with proline, which is neutral and non-polar, at codon 454 of the PCARE protein (p.Thr454Pro). This variant is not present in population databases (gnomAD no frequency). This variant has not been reported in the literature in individuals affected with PCARE-related conditions. ClinVar contains an entry for this variant (Variation ID: 1014290). An algorithm developed to predict the effect of missense changes on protein structure and function outputs the following: PolyPhen-2: "Benign". The proline amino acid residue is found in multiple mammalian species, which suggests that this missense change does not adversely affect protein function. In summary, the available evidence is currently insufficient to determine the role of this variant in disease. Therefore, it has been classified as a Variant of Uncertain Significance.